The following is an entry in ClinVar:

NM_021267.5(CERS1):c.312del (p.Ala103_Trp104insTer)

Genes: GDF1 (growth differentiation factor 1; minus strand), CERS1 (ceramide synthase 1; minus strand). Cytogenetic location: 19p13.11.
Variant type: Deletion.
Coding change: c.312del on transcript NM_021267.5 (MANE Select); coding-DNA position 312, one base deleted (G; older notation c.312delG).
Protein change: p.Ala103_Trp104insTer.
Molecular consequence: nonsense. On other transcripts: 5 prime UTR variant (2).
Genome position (GRCh38, 1-based): chr19:18,893,513, C deleted on the plus strand (G on the coding strand, the reverse complement: CERS1 is on the minus strand); the first of 2 consecutive C bases (chr19:18,893,513-18,893,514); deleting either gives the same sequence. VCF-style (leftmost placement, unchanged base first): chr19-18893512-TC-T. GRCh37 (hg19) VCF-style: chr19-19004321-TC-T.
Other names: c.18del, p.Ala5_Trp6insTer (NM_001290265.2, NM_001387442.1, NM_001387443.1 and 2 more transcripts); c.312del, p.Ala103_Trp104insTer (NM_001387439.1, NM_001387440.1, NM_001387441.1 and 1 more transcripts); c.-591del (NM_001387438.1); c.-1011del (NM_001492.6).
Identifiers: ClinVar variation 1346386 (VCV001346386.6), dbSNP rs2146074561, ClinGen allele CA2573156157.

ClinVar aggregate classification (germline): Uncertain significance (1 of 4 stars; one submission).

Conditions:
Progressive myoclonic epilepsy type 8. Identifiers: Orphanet 424027, MedGen C5190825, MONDO:0014545, OMIM 616230.

Submission:

Labcorp Genetics (formerly Invitae), Labcorp
Classification: Uncertain significance for Progressive myoclonic epilepsy type 8. Last evaluated: 2022-02-03. Review status: criteria provided, single submitter. Criteria: Invitae Variant Classification Sherloc (09022015). Collection method: clinical testing. Allele origin: germline.
Comment: This sequence change creates a premature translational stop signal (p.Trp104*) in the CERS1 gene. It is expected to result in an absent or disrupted protein product. However, the current clinical and genetic evidence is not sufficient to establish whether loss-of-function variants in CERS1 cause disease. This variant is not present in population databases (gnomAD no frequency). This variant has not been reported in the literature in individuals affected with CERS1-related conditions. In summary, the available evidence is currently insufficient to determine the role of this variant in disease. Therefore, it has been classified as a Variant of Uncertain Significance.